The following is an entry in ClinVar:

NM_001379500.1(COL18A1):c.1433G>T (p.Gly478Val)

Gene: COL18A1 (collagen type XVIII alpha 1 chain; plus strand). Cytogenetic location: 21q22.3.
Variant type: single nucleotide variant.
Coding change: c.1433G>T on transcript NM_001379500.1 (MANE Select); coding-DNA position 1433, G replaced by T.
Protein change: p.Gly478Val; replaces glycine 478 with valine.
Molecular consequence: missense variant.
Genome position (GRCh38, 1-based): chr21:45,480,501, G>T. VCF-style: chr21-45480501-G-T. GRCh37 (hg19) VCF-style: chr21-46900415-G-T.
Other names: c.1973G>T, p.Gly658Val (NM_030582.4); c.2678G>T, p.Gly893Val (NM_130444.3); short protein forms G478V, G658V, G893V.
Identifiers: ClinVar variation 1381085 (VCV001381085.5), dbSNP rs1170787263, ClinGen allele CA410517294.

ClinVar aggregate classification (germline): Uncertain significance (1 of 4 stars; one submission).

Allele frequency attached by ClinVar (database versions not stated): gnomAD 0.00001; TOPMed 0.00001.
gnomAD v4.1: 12 of 1,614,048 alleles (0.00074%); highest among the groups gnomAD compares: Non-Finnish European, 0.00093%; no homozygotes.

Submission:

Labcorp Genetics (formerly Invitae), Labcorp
Classification: Uncertain significance. Last evaluated: 2023-10-22. Review status: criteria provided, single submitter. Criteria: Invitae Variant Classification Sherloc (09022015). Collection method: clinical testing. Allele origin: germline.
Comment: This sequence change replaces glycine, which is neutral and non-polar, with valine, which is neutral and non-polar, at codon 478 of the COL18A1 protein (p.Gly478Val). This variant is not present in population databases (gnomAD no frequency). This variant has not been reported in the literature in individuals affected with COL18A1-related conditions. ClinVar contains an entry for this variant (Variation ID: 1381085). Experimental studies and prediction algorithms are not available or were not evaluated, and the functional significance of this variant is currently unknown. In summary, the available evidence is currently insufficient to determine the role of this variant in disease. Therefore, it has been classified as a Variant of Uncertain Significance.